The following is an entry in ClinVar:

ClinVar aggregate classification (germline): Uncertain significance (1 of 4 stars; one submission).

Conditions:
Hereditary breast ovarian cancer syndrome. Also called: BRCA1- and BRCA2-Associated Hereditary Breast and Ovarian Cancer; Hereditary breast and/or ovarian cancer syndrome; Hereditary breast and ovarian cancer syndrome; Hereditary breast and ovarian cancer syndrome (HBOC); Breast and ovarian cancer; Hereditary breast and ovarian cancer. Identifiers: Orphanet 145, MedGen C0677776, MeSH D061325, MONDO:0003582. Disease mechanism: loss of function.

Submission:

Labcorp Genetics (formerly Invitae), Labcorp
Classification: Uncertain significance for Hereditary breast ovarian cancer syndrome. Last evaluated: 2024-02-13. Review status: criteria provided, single submitter. Criteria: Invitae Variant Classification Sherloc (09022015). Collection method: clinical testing. Allele origin: germline.
Comment: This variant, c.7677_7681delinsAA, is a complex sequence change that results in the deletion of 2 and insertion of 1 amino acid(s) in the BRCA2 protein (p.Phe2560_Gln2561delinsLys). Information on the frequency of this variant in the gnomAD database is not available, as this variant may be reported differently in the database. This variant has not been reported in the literature in individuals affected with BRCA2-related conditions. Experimental studies and prediction algorithms are not available or were not evaluated, and the functional significance of this variant is currently unknown. In summary, the available evidence is currently insufficient to determine the role of this variant in disease. Therefore, it has been classified as a Variant of Uncertain Significance.

NM_000059.4(BRCA2):c.7677_7681delinsAA (p.Phe2560_Gln2561delinsLys)

Gene: BRCA2 (BRCA2 DNA repair associated; plus strand). Cytogenetic location: 13q13.1.
Variant type: Indel.
Coding change: c.7677_7681delinsAA on transcript NM_000059.4 (MANE Select); coding-DNA positions 7677 to 7681, TTTTC replaced by AA.
Protein change: p.Phe2560_Gln2561delinsLys.
Molecular consequence: inframe indel. On other transcripts: non-coding transcript variant (1).
Genome position (GRCh38, 1-based): chr13:32,357,801-32,357,805, TTTTC replaced by AA. VCF-style: chr13-32357801-TTTTC-AA. GRCh37 (hg19) VCF-style: chr13-32931938-TTTTC-AA.
Other names: c.7581_7585delinsAA, p.Phe2528_Gln2529delinsLys (NM_001406719.1); c.7677_7681delinsAA, p.Phe2560_Gln2561delinsLys (NM_001406720.1); c.2745_2749delinsAA, p.Phe916_Gln917delinsLys (NM_001406721.1); c.1260_1264delinsAA, p.Phe421_Gln422delinsLys (NM_001406722.1).
Identifiers: ClinVar variation 3638908 (VCV003638908.2).
Genomic context (GRCh38, chr13:32,357,801, plus strand): 5'-GCTGTATACGTATGGCGTTTCTAAACATTGCATAAAAATTAACAGCAAAAATGCAGAGTC[TTTTC>AA]AGTTTCACACTGAAGATTATTTTGGTAAGGAAAGTTTATGGACTGGAAAAGGAATACAGT-3'